The following is an entry in ClinVar:

NM_032608.7(MYO18B):c.3578G>C (p.Arg1193Thr)

Gene: MYO18B (myosin XVIIIB; plus strand). Cytogenetic location: 22q12.1.
Variant type: single nucleotide variant.
Coding change: c.3578G>C on transcript NM_032608.7 (MANE Select); coding-DNA position 3578, G replaced by C.
Protein change: p.Arg1193Thr; replaces arginine 1193 with threonine.
Molecular consequence: missense variant.
Genome position (GRCh38, 1-based): chr22:25,847,455, G>C. VCF-style: chr22-25847455-G-C. GRCh37 (hg19) VCF-style: chr22-26243422-G-C.
Other names: c.3581G>C, p.Arg1194Thr (NM_001318245.2); short protein forms R1193T, R1194T.
Identifiers: ClinVar variation 1905216 (VCV001905216.3), dbSNP rs749147928, ClinGen allele CA411000213.

ClinVar aggregate classification (germline): Uncertain significance (1 of 4 stars; one submission).

Allele frequency attached by ClinVar (database versions not stated): TOPMed below 0.00001.
gnomAD v4.1: 11 of 1,574,802 alleles (0.0007%); highest among the groups gnomAD compares: Non-Finnish European, 0.00086%; no homozygotes.

Submission:

Labcorp Genetics (formerly Invitae), Labcorp
Classification: Uncertain significance. Last evaluated: 2022-07-21. Review status: criteria provided, single submitter. Criteria: Invitae Variant Classification Sherloc (09022015). Collection method: clinical testing. Allele origin: germline.
Comment: Algorithms developed to predict the effect of missense changes on protein structure and function are either unavailable or do not agree on the potential impact of this missense change (SIFT: "Not Available"; PolyPhen-2: "Benign"; Align-GVGD: "Not Available"). In summary, the available evidence is currently insufficient to determine the role of this variant in disease. Therefore, it has been classified as a Variant of Uncertain Significance. This variant has not been reported in the literature in individuals affected with MYO18B-related conditions. This variant is present in population databases (no rsID available, gnomAD 0.004%). This sequence change replaces arginine, which is basic and polar, with threonine, which is neutral and polar, at codon 1193 of the MYO18B protein (p.Arg1193Thr).